The following is an entry in ClinVar:

ClinVar aggregate classification (germline): Uncertain significance. Review status: criteria provided, multiple submitters, no conflicts (2 of 4 stars). 2 submissions from 2 submitters: Uncertain significance (2). Last evaluated 2024-05-07.

Conditions:
Polycystic kidney disease 3 with or without polycystic liver disease. Also called: POLYCYSTIC KIDNEY DISEASE, ADULT, TYPE III; Polycystic Kidney and/or Polycystic Liver Disease 3; Polycystic kidney disease 3. Identifiers: MedGen C3887964, MONDO:0010916, OMIM 600666.

Allele frequency attached by ClinVar (database versions not stated): ExAC 0.00001; gnomAD exomes 0.00001; gnomAD 0.00003; TOPMed 0.00003.
gnomAD v4.1: 10 of 1,614,076 alleles (0.00062%); highest among the groups gnomAD compares: African/African-American, 0.0067%; no homozygotes.

Submissions (2):

Fulgent Genetics
Classification: Uncertain significance for Polycystic kidney disease 3 with or without polycystic liver disease. Last evaluated: 2024-05-07. Review status: criteria provided, single submitter. Criteria: ACMG Guidelines, 2015. Collection method: clinical testing. Allele origin: germline.

Labcorp Genetics (formerly Invitae), Labcorp
Classification: Uncertain significance. Last evaluated: 2023-07-17. Review status: criteria provided, single submitter. Criteria: Invitae Variant Classification Sherloc (09022015). Collection method: clinical testing. Allele origin: germline.
Comment: In summary, the available evidence is currently insufficient to determine the role of this variant in disease. Therefore, it has been classified as a Variant of Uncertain Significance. Advanced modeling of protein sequence and biophysical properties (such as structural, functional, and spatial information, amino acid conservation, physicochemical variation, residue mobility, and thermodynamic stability) performed at Invitae indicates that this missense variant is not expected to disrupt GANAB protein function. ClinVar contains an entry for this variant (Variation ID: 2041661). This variant has not been reported in the literature in individuals affected with GANAB-related conditions. The frequency data for this variant in the population databases is considered unreliable, as metrics indicate poor data quality at this position in the gnomAD database. This sequence change replaces arginine, which is basic and polar, with glutamine, which is neutral and polar, at codon 515 of the GANAB protein (p.Arg515Gln).

NM_198334.3(GANAB):c.1478G>A (p.Arg493Gln)

Gene: GANAB (glucosidase II alpha subunit; minus strand). Cytogenetic location: 11q12.3.
Variant type: single nucleotide variant.
Coding change: c.1478G>A on transcript NM_198334.3 (MANE Select); coding-DNA position 1478, G replaced by A.
Protein change: p.Arg493Gln; replaces arginine 493 with glutamine.
Molecular consequence: missense variant.
Genome position (GRCh38, 1-based): chr11:62,630,414, C>T on the plus strand (G>A on the coding strand, the complement: GANAB is on the minus strand). VCF-style: chr11-62630414-C-T. GRCh37 (hg19) VCF-style: chr11-62397886-C-T.
Other names: c.1202G>A, p.Arg401Gln (NM_001278192.2); c.1136G>A, p.Arg379Gln (NM_001278193.2); c.1187G>A, p.Arg396Gln (NM_001278194.2, NM_001329222.2, NM_001329223.2); c.755G>A, p.Arg252Gln (NM_001329224.2, NM_001329225.2); c.1544G>A, p.Arg515Gln (NM_198335.4); short protein forms R379Q, R401Q, R515Q, R252Q, R396Q, R493Q.
Identifiers: ClinVar variation 2041661 (VCV002041661.5), dbSNP rs774472553, ClinGen allele CA6050765.